The following is an entry in ClinVar:

NM_020706.2(SCAF4):c.2797G>A (p.Gly933Ser)

Gene: SCAF4 (SR-related CTD associated factor 4; minus strand). Cytogenetic location: 21q22.11.
Variant type: single nucleotide variant.
Coding change: c.2797G>A on transcript NM_020706.2 (MANE Select); coding-DNA position 2797, G replaced by A.
Protein change: p.Gly933Ser; replaces glycine 933 with serine.
Molecular consequence: missense variant.
Genome position (GRCh38, 1-based): chr21:31,672,046, C>T on the plus strand (G>A on the coding strand, the complement: SCAF4 is on the minus strand). VCF-style: chr21-31672046-C-T. GRCh37 (hg19) VCF-style: chr21-33044359-C-T.
Other names: c.2752G>A, p.Gly918Ser (NM_001145444.1); c.2731G>A, p.Gly911Ser (NM_001145445.1); short protein forms G911S, G918S, G933S.
Identifiers: ClinVar variation 3907419 (VCV003907419.2).
Genomic context (GRCh38, chr21:31,672,046, plus strand): 5'-GCTGTGGCTGCTGCTGTGGCTGCTGCGGCGGCTGTTGCCTTCCGTCTCTGTCTTCAGGAC[C>T]CCCTGGGCCTGGCCCTGGGCCCCCGAGCCCTGGCATTCCACCAGGCCTAACAAAGGGGCC-3'
Protein context (NP_065757.1, residues 923-943): GLGGPGPGPG[Gly933Ser]PEDRDGRQQP

ClinVar aggregate classification (germline): Uncertain significance (1 of 4 stars; one submission).

gnomAD v4.1: 2 of 1,613,406 alleles (0.00012%); highest among the groups gnomAD compares: South Asian, 0.0011%; no homozygotes.

Submission:

Women's Health and Genetics/Laboratory Corporation of America, LabCorp
Classification: Uncertain significance. Last evaluated: 2026-06-03. Review status: criteria provided, single submitter. Criteria: LabCorp Variant Classification Summary - May 2015. Collection method: clinical testing. Allele origin: germline.
Comment: Variant summary: SCAF4 c.2797G>A (p.Gly933Ser) results in a non-conservative amino acid change in the encoded protein sequence. Algorithms developed to predict the effect of missense changes on protein structure and function are either unavailable or do not agree on the potential impact of this missense change. The variant allele was found at a frequency of 8.1e-06 in 247808 control chromosomes. The available data on variant occurrences in the general population are insufficient to allow any conclusion about variant significance. To our knowledge, no occurrence of c.2797G>A in individuals affected with SCAF4-related conditions and no experimental evidence demonstrating its impact on protein function have been reported. ClinVar contains an entry for this variant (Variation ID: 3907419). Based on the evidence outlined above, the variant was classified as uncertain significance.